The following is an entry in ClinVar:

ClinVar aggregate classification (germline): Uncertain significance (1 of 4 stars; one submission).

Conditions:
Inborn genetic diseases. Identifiers: MedGen C0950123, MeSH D030342.

gnomAD v4.1: 1 of 1,614,048 alleles (0.000062%); highest among the groups gnomAD compares: African/African-American, 0.0013%; no homozygotes.

Submission:

Ambry Genetics
Classification: Uncertain significance for Inborn genetic diseases. Last evaluated: 2025-08-25. Review status: criteria provided, single submitter. Criteria: Ambry Variant Classification Scheme 2023. Collection method: clinical testing. Allele origin: germline.
Comment: The p.S549F variant (also known as c.1646C>T), located in coding exon 12 of the BMPR2 gene, results from a C to T substitution at nucleotide position 1646. The serine at codon 549 is replaced by phenylalanine, an amino acid with highly dissimilar properties. This amino acid position is conserved. In addition, the in silico prediction for this alteration is inconclusive. Based on the available evidence, the clinical significance of this variant remains unclear.

NM_001204.7(BMPR2):c.1646C>T (p.Ser549Phe)

Gene: BMPR2 (bone morphogenetic protein receptor type 2; plus strand). Cytogenetic location: 2q33.2.
Variant type: single nucleotide variant.
Coding change: c.1646C>T on transcript NM_001204.7 (MANE Select); coding-DNA position 1646, C replaced by T.
Protein change: p.Ser549Phe; replaces serine 549 with phenylalanine.
Molecular consequence: missense variant.
Genome position (GRCh38, 1-based): chr2:202,555,311, C>T. VCF-style: chr2-202555311-C-T. GRCh37 (hg19) VCF-style: chr2-203420034-C-T.
Other names: short protein forms S549F.
Identifiers: ClinVar variation 4214536 (VCV004214536.1).
Genomic context (GRCh38, chr2:202,555,311, plus strand): 5'-GCAACCTGTCACATAATAGGCGTGTGCCAAAAATTGGTCCTTATCCAGATTATTCTTCCT[C>T]CTCATACATTGAAGACTCTATCCATCATACTGACAGCATCGTGAAGAATATTTCCTCTGA-3'
Protein context (NP_001195.2, residues 539-559): KIGPYPDYSS[Ser549Phe]SYIEDSIHHT